The following is an entry in ClinVar:

ClinVar aggregate classification (germline): Uncertain significance (1 of 4 stars; one submission).

Conditions:
Jeune thoracic dystrophy. Also called: Jeune syndrome; Infantile thoracic dystrophy; Thoracic pelvic phalangeal dystrophy; Jeune's syndrome; Chondroectodermal dysplasia-like syndrome; Short-rib thoracic dysplasia. Identifiers: Orphanet 474, MedGen C0265275, MONDO:0018770.

Allele frequency attached by ClinVar (database versions not stated): ExAC 0.00001; gnomAD 0.00001; TOPMed 0.00002.
gnomAD v4.1: 29 of 1,613,070 alleles (0.0018%); highest among the groups gnomAD compares: Middle Eastern, 0.017%; no homozygotes.

Submission:

Labcorp Genetics (formerly Invitae), Labcorp
Classification: Uncertain significance for Jeune thoracic dystrophy. Last evaluated: 2025-11-17. Review status: criteria provided, single submitter. Criteria: Invitae Variant Classification Sherloc (09022015). Collection method: clinical testing. Allele origin: germline.
Comment: This sequence change replaces arginine, which is basic and polar, with tryptophan, which is neutral and slightly polar, at codon 684 of the DYNC2H1 protein (p.Arg684Trp). The frequency data for this variant in the population databases is considered unreliable, as metrics indicate poor data quality at this position in the gnomAD database. This variant has not been reported in the literature in individuals affected with DYNC2H1-related conditions. ClinVar contains an entry for this variant (Variation ID: 1985174). Invitae Evidence Modeling of protein sequence and biophysical properties (such as structural, functional, and spatial information, amino acid conservation, physicochemical variation, residue mobility, and thermodynamic stability) has been performed for this missense variant. However, the output from this modeling did not meet the statistical confidence thresholds required to predict the impact of this variant on DYNC2H1 protein function. In summary, the available evidence is currently insufficient to determine the role of this variant in disease. Therefore, it has been classified as a Variant of Uncertain Significance.

NM_001377.3(DYNC2H1):c.2050C>T (p.Arg684Trp)

Gene: DYNC2H1 (dynein cytoplasmic 2 heavy chain 1; plus strand). Cytogenetic location: 11q22.3.
Variant type: single nucleotide variant.
Coding change: c.2050C>T on transcript NM_001377.3 (MANE Select); coding-DNA position 2050, C replaced by T.
Protein change: p.Arg684Trp; replaces arginine 684 with tryptophan.
Molecular consequence: missense variant.
Genome position (GRCh38, 1-based): chr11:103,133,651, C>T. VCF-style: chr11-103133651-C-T. GRCh37 (hg19) VCF-style: chr11-103004380-C-T.
Other names: c.2050C>T, p.Arg684Trp (NM_001080463.2); short protein forms R684W.
Identifiers: ClinVar variation 1985174 (VCV001985174.2), dbSNP rs529152317, ClinGen allele CA6252936.